The following is an entry in ClinVar:

NM_181426.2(CCDC39):c.1744del (p.Val582fs)

Gene: CCDC39 (coiled-coil domain 39 molecular ruler complex subunit; minus strand). Cytogenetic location: 3q26.33.
Variant type: Deletion.
Coding change: c.1744del on transcript NM_181426.2 (MANE Select); coding-DNA position 1744, one base deleted (G; older notation c.1744delG).
Protein change: p.Val582fs; shifts the reading frame from valine 582.
Molecular consequence: frameshift variant.
Genome position (GRCh38, 1-based): chr3:180,642,123, C deleted on the plus strand (G on the coding strand, the reverse complement: CCDC39 is on the minus strand). VCF-style (leftmost placement, unchanged base first): chr3-180642122-AC-A. GRCh37 (hg19) VCF-style: chr3-180359910-AC-A.
Other names: c.1744delG (NM_181426.1); short protein forms V582fs.
Identifiers: ClinVar variation 423324 (VCV000423324.4), dbSNP rs1064796360, ClinGen allele CA16617855.

ClinVar aggregate classification (germline): Pathogenic (1 of 4 stars; one submission).

Submission:

GeneDx
Classification: Pathogenic. Last evaluated: 2020-06-12. Review status: criteria provided, single submitter. Criteria: GeneDx Variant Classification Process June 2021. Collection method: clinical testing. Allele origin: germline. Affected: yes.
Comment: Frameshift variant predicted to result in protein truncation or nonsense mediated decay in a gene for which loss-of-function is a known mechanism of disease; Not observed in large population cohorts (Lek et al., 2016); Has not been previously published as pathogenic or benign to our knowledge